The following is an entry in ClinVar:

NM_138775.3(ALKBH8):c.1241G>C (p.Gly414Ala)

Gene: ALKBH8 (alkB homolog 8, tRNA methyltransferase; minus strand). Cytogenetic location: 11q22.3.
Variant type: single nucleotide variant.
Coding change: c.1241G>C on transcript NM_138775.3 (MANE Select); coding-DNA position 1241, G replaced by C.
Protein change: p.Gly414Ala; replaces glycine 414 with alanine.
Molecular consequence: missense variant. On other transcripts: non-coding transcript variant (5).
Genome position (GRCh38, 1-based): chr11:107,522,345, C>G on the plus strand (G>C on the coding strand, the complement: ALKBH8 is on the minus strand). VCF-style: chr11-107522345-C-G. GRCh37 (hg19) VCF-style: chr11-107393071-C-G.
Other names: c.1241G>C, p.Gly414Ala (NM_001301010.3, NM_001378133.1); short protein forms G414A.
Identifiers: ClinVar variation 5007763 (VCV005007763.2).

ClinVar aggregate classification (germline): Uncertain significance (1 of 4 stars; one submission).

Conditions:
Intellectual developmental disorder, autosomal recessive 71. Also called: MENTAL RETARDATION, AUTOSOMAL RECESSIVE 71. Identifiers: MedGen C5193133, MONDO:0032789, OMIM 618504.

gnomAD v4.1: 5 of 1,551,510 alleles (0.00032%); highest among the groups gnomAD compares: Middle Eastern, 0.017%; no homozygotes.

Submission:

Juno Genomics, Hangzhou Juno Genomics, Inc
Classification: Uncertain significance for Intellectual developmental disorder, autosomal recessive 71. Review status: criteria provided, single submitter. Criteria: ACMG Guidelines, 2015. Collection method: clinical testing. Allele origin: germline.
Comment: Absent from controls (or at extremely low frequency if recessive) in Genome Aggregation Database.;Multiple lines of computational evidence support a deleterious effect on the gene or gene product.